The following is an entry in ClinVar:

NM_000302.4(PLOD1):c.949C>A (p.His317Asn)

Gene: PLOD1 (procollagen-lysine,2-oxoglutarate 5-dioxygenase 1; plus strand). Cytogenetic location: 1p36.22.
Variant type: single nucleotide variant.
Coding change: c.949C>A on transcript NM_000302.4 (MANE Select); coding-DNA position 949, C replaced by A.
Protein change: p.His317Asn; replaces histidine 317 with asparagine.
Molecular consequence: missense variant.
Genome position (GRCh38, 1-based): chr1:11,958,621, C>A. VCF-style: chr1-11958621-C-A. GRCh37 (hg19) VCF-style: chr1-12018678-C-A.
Other names: c.1090C>A, p.His364Asn (NM_001316320.2); short protein forms H317N, H364N.
Identifiers: ClinVar variation 568260 (VCV000568260.9), dbSNP rs1287367993, ClinGen allele CA338434903.

ClinVar aggregate classification (germline): Uncertain significance. Review status: criteria provided, multiple submitters, no conflicts (2 of 4 stars). 2 submissions from 2 submitters: Uncertain significance (2). Last evaluated 2025-02-20.

Conditions:
Ehlers-Danlos syndrome, kyphoscoliotic type 1 (EDSKSCL1). Also called: Ehlers-Danlos syndrome, hydroxylysine-deficient; EHLERS-DANLOS SYNDROME, OCULAR-SCOLIOTIC TYPE; EHLERS-DANLOS SYNDROME, TYPE VIA; PLOD1-Related Kyphoscoliotic Ehlers-Danlos Syndrome. Identifiers: Orphanet 1900, MedGen C0268342, MONDO:0016002, OMIM 225400. Disease mechanism: loss of function.
Familial thoracic aortic aneurysm and aortic dissection (TAAD). Also called: Thoracic aortic aneurysms and dissections. Identifiers: Orphanet 91387, MedGen C4707243, MONDO:0019625.

Allele frequency attached by ClinVar (database versions not stated): gnomAD exomes below 0.00001.
gnomAD v4.1: 6 of 1,614,184 alleles (0.00037%); highest among the groups gnomAD compares: Non-Finnish European, 0.00042%; no homozygotes.

Submissions (2):

Ambry Genetics
Classification: Uncertain significance for Familial thoracic aortic aneurysm and aortic dissection. Last evaluated: 2025-02-20. Review status: criteria provided, single submitter. Criteria: Ambry Variant Classification Scheme 2023. Collection method: clinical testing. Allele origin: germline.
Comment: The p.H317N variant (also known as c.949C>A), located in coding exon 9 of the PLOD1 gene, results from a C to A substitution at nucleotide position 949. The histidine at codon 317 is replaced by asparagine, an amino acid with similar properties. This amino acid position is conserved. In addition, this alteration is predicted to be tolerated by in silico analysis. Based on the available evidence, the clinical significance of this variant remains unclear.

Labcorp Genetics (formerly Invitae), Labcorp
Classification: Uncertain significance for Ehlers-Danlos syndrome, kyphoscoliotic type 1. Last evaluated: 2022-02-17. Review status: criteria provided, single submitter. Criteria: Invitae Variant Classification Sherloc (09022015). Collection method: clinical testing. Allele origin: germline.
Comment: This sequence change replaces histidine, which is basic and polar, with asparagine, which is neutral and polar, at codon 317 of the PLOD1 protein (p.His317Asn). This variant is present in population databases (no rsID available, gnomAD 0.003%). This variant has not been reported in the literature in individuals affected with PLOD1-related conditions. ClinVar contains an entry for this variant (Variation ID: 568260). Algorithms developed to predict the effect of missense changes on protein structure and function (SIFT, PolyPhen-2, Align-GVGD) all suggest that this variant is likely to be tolerated. In summary, the available evidence is currently insufficient to determine the role of this variant in disease. Therefore, it has been classified as a Variant of Uncertain Significance.